The following is an entry in ClinVar:

NM_001987.5(ETV6):c.775dup (p.Arg259fs)

Gene: ETV6 (ETS variant transcription factor 6; plus strand). Cytogenetic location: 12p13.2.
Variant type: Duplication.
Coding change: c.775dup on transcript NM_001987.5 (MANE Select); coding-DNA position 775, one base duplicated (C; older notation c.775dupC).
Protein change: p.Arg259fs; shifts the reading frame from arginine 259.
Molecular consequence: frameshift variant.
Genome position (GRCh38, 1-based): chr12:11,869,735, C duplicated; the last of 5 consecutive C bases (chr12:11,869,731-11,869,735); duplicating any one gives the same sequence. VCF-style (leftmost placement, unchanged base first): chr12-11869730-G-GC. GRCh37 (hg19) VCF-style: chr12-12022664-G-GC.
Other names: c.772dup, p.Arg258fs (NM_001413913.1); c.748dup, p.Arg250fs (NM_001413914.1); c.511dup, p.Arg171fs (NM_001413915.1); c.775dup, p.Arg259fs (NM_001413916.1, NM_001413917.1); short protein forms R171fs, R250fs, R258fs, R259fs.
Identifiers: ClinVar variation 3773668 (VCV003773668.2).

ClinVar aggregate classification (germline): Pathogenic (1 of 4 stars; one submission).

Conditions:
Thrombocytopenia 5 (THC5). Also called: THROMBOCYTOPENIA 5 WITH INCREASED SUSCEPTIBILITY TO MALIGNANCY; THROMBOCYTOPENIA, AUTOSOMAL DOMINANT, 5. Identifiers: MedGen C4015537, MONDO:0014536, OMIM 616216.

Submission:

Institute of Human Genetics, University of Leipzig Medical Center
Classification: Pathogenic for Thrombocytopenia 5. Last evaluated: 2025-03-04. Review status: criteria provided, single submitter. Criteria: ACMG Guidelines, 2015. Collection method: clinical testing. Allele origin: unknown. Inheritance: Autosomal dominant inheritance. Affected: yes.
Comment: Criteria applied: PVS1,PM2